The following is an entry in ClinVar:

NM_001184.4(ATR):c.2122G>T (p.Ala708Ser)

Gene: ATR (ATR checkpoint kinase; minus strand). Cytogenetic location: 3q23.
Variant type: single nucleotide variant.
Coding change: c.2122G>T on transcript NM_001184.4 (MANE Select); coding-DNA position 2122, G replaced by T.
Protein change: p.Ala708Ser; replaces alanine 708 with serine.
Molecular consequence: missense variant.
Genome position (GRCh38, 1-based): chr3:142,556,096, C>A on the plus strand (G>T on the coding strand, the complement: ATR is on the minus strand). VCF-style: chr3-142556096-C-A. GRCh37 (hg19) VCF-style: chr3-142274938-C-A.
Other names: c.1930G>T, p.Ala644Ser (NM_001354579.2); c.2122G>T (NM_001184.3); short protein forms A644S, A708S.
Identifiers: ClinVar variation 2178153 (VCV002178153.7), dbSNP rs1386365987, ClinGen allele CA354818943.
Genomic context (GRCh38, chr3:142,556,096, plus strand): 5'-AAGAACTTGTCAGATAAAACATGCCGTGAAGAGTACAGACAAGTTGACCAAGTATAGAAG[C>A]AAATTCTTTCTTGACAATGTCAGAATCATCTTTGACTTTATCTCTGGGGAAAAAAAAGAA-3'
Protein context (NP_001175.2, residues 698-718): DDSDIVKKEF[Ala708Ser]SILGQLVCTL

ClinVar aggregate classification (germline): Uncertain significance. Review status: criteria provided, multiple submitters, no conflicts (2 of 4 stars). 2 submissions from 2 submitters: Uncertain significance (2). Last evaluated 2025-10-18.

Conditions:
Inborn genetic diseases. Identifiers: MedGen C0950123, MeSH D030342.

Allele frequency attached by ClinVar (database versions not stated): gnomAD exomes 0.00001; TOPMed 0.00001; gnomAD 0.00002.
gnomAD v4.1: 11 of 1,613,032 alleles (0.00068%); highest among the groups gnomAD compares: Non-Finnish European, 0.00085%; no homozygotes.

Submissions (2):

Ambry Genetics
Classification: Uncertain significance for Inborn genetic diseases. Last evaluated: 2025-10-18. Review status: criteria provided, single submitter. Criteria: Ambry Variant Classification Scheme 2023. Collection method: clinical testing. Allele origin: germline.

Labcorp Genetics (formerly Invitae), Labcorp
Classification: Uncertain significance. Last evaluated: 2022-03-25. Review status: criteria provided, single submitter. Criteria: Invitae Variant Classification Sherloc (09022015). Collection method: clinical testing. Allele origin: germline.
Comment: In summary, the available evidence is currently insufficient to determine the role of this variant in disease. Therefore, it has been classified as a Variant of Uncertain Significance. Algorithms developed to predict the effect of missense changes on protein structure and function are either unavailable or do not agree on the potential impact of this missense change (SIFT: "Tolerated"; PolyPhen-2: "Probably Damaging"; Align-GVGD: "Class C0"). This variant has not been reported in the literature in individuals affected with ATR-related conditions. This variant is present in population databases (no rsID available, gnomAD 0.0009%). This sequence change replaces alanine, which is neutral and non-polar, with serine, which is neutral and polar, at codon 708 of the ATR protein (p.Ala708Ser).